The following is an entry in ClinVar:

ClinVar aggregate classification (germline): Uncertain significance (1 of 4 stars; one submission).

Conditions:
Autosomal recessive ataxia, Beauce type. Also called: ATAXIA, RECESSIVE, OF BEAUCE; Spinocerebellar ataxia, autosomal recessive 8; SYNE1-Related Autosomal Recessive Cerebellar Ataxia; SYNE1 Deficiency. Identifiers: Orphanet 88644, MedGen C1853116, MONDO:0012549, OMIM 610743.
Emery-Dreifuss muscular dystrophy 4, autosomal dominant (EDMD4). Also called: EMERY-DREIFUSS MUSCULAR DYSTROPHY 4 WITH VARIABLE FEATURES. Identifiers: Orphanet 261, MedGen C2751807, MONDO:0013071, OMIM 612998.

Allele frequency attached by ClinVar (database versions not stated): gnomAD exomes below 0.00001.
gnomAD v4.1: 1 of 1,614,222 alleles (0.000062%); highest among the groups gnomAD compares: Non-Finnish European, 0.000085%; no homozygotes.

Submission:

Labcorp Genetics (formerly Invitae), Labcorp
Classification: Uncertain significance for Emery-Dreifuss muscular dystrophy 4, autosomal dominant; Autosomal recessive ataxia, Beauce type. Last evaluated: 2020-10-16. Review status: criteria provided, single submitter. Criteria: Invitae Variant Classification Sherloc (09022015). Collection method: clinical testing. Allele origin: germline.
Comment: Algorithms developed to predict the effect of missense changes on protein structure and function (SIFT, PolyPhen-2, Align-GVGD) all suggest that this variant is likely to be tolerated, but these predictions have not been confirmed by published functional studies and their clinical significance is uncertain. In summary, the available evidence is currently insufficient to determine the role of this variant in disease. Therefore, it has been classified as a Variant of Uncertain Significance. This variant has not been reported in the literature in individuals with SYNE1-related conditions. This variant is not present in population databases (ExAC no frequency). This sequence change replaces aspartic acid with glycine at codon 4848 of the SYNE1 protein (p.Asp4848Gly). The aspartic acid residue is moderately conserved and there is a moderate physicochemical difference between aspartic acid and glycine.

NM_182961.4(SYNE1):c.14756A>G (p.Asp4919Gly)

Gene: SYNE1 (spectrin repeat containing nuclear envelope protein 1; minus strand). Cytogenetic location: 6q25.2.
Variant type: single nucleotide variant.
Coding change: c.14756A>G on transcript NM_182961.4 (MANE Select); coding-DNA position 14756, A replaced by G.
Protein change: p.Asp4919Gly; replaces aspartic acid 4919 with glycine.
Molecular consequence: missense variant.
Genome position (GRCh38, 1-based): chr6:152,329,929, T>C on the plus strand (A>G on the coding strand, the complement: SYNE1 is on the minus strand). VCF-style: chr6-152329929-T-C. GRCh37 (hg19) VCF-style: chr6-152651064-T-C.
Other names: c.14543A>G, p.Asp4848Gly (NM_033071.5); short protein forms D4848G, D4919G.
Identifiers: ClinVar variation 1005118 (VCV001005118.8), dbSNP rs2096205614, ClinGen allele CA366096555.
Genomic context (GRCh38, chr6:152,329,929, plus strand): 5'-CTCAAGCTGGACTGGACCTCTTCCTGATGAATTTGGATTTTTCTGATTTCCTCTTGGATG[T>C]CCTGCAGGTTGAGGTCTAGGTACACCGGCCCACTGAGCTCTGCCTTCACTCTCCTCAGCC-3'
Protein context (NP_892006.3, residues 4909-4929): GPVYLDLNLQ[Asp4919Gly]IQEEIRKIQI